The following is an entry in ClinVar:

ClinVar aggregate classification (germline): Uncertain significance (1 of 4 stars; one submission).

Conditions:
Hereditary cancer-predisposing syndrome. Also called: Neoplastic Syndromes, Hereditary; Tumor predisposition; Hereditary neoplastic syndrome; Hereditary Cancer Syndrome. Identifiers: Orphanet 140162, MedGen C0027672, MeSH D009386, MONDO:0015356.

Submission:

Ambry Genetics
Classification: Uncertain significance for Hereditary cancer-predisposing syndrome. Last evaluated: 2023-09-21. Review status: criteria provided, single submitter. Criteria: Ambry Variant Classification Scheme 2023. Collection method: clinical testing. Allele origin: germline.
Comment: The p.A154G variant (also known as c.461C>G), located in coding exon 1 of the HOXB13 gene, results from a C to G substitution at nucleotide position 461. The alanine at codon 154 is replaced by glycine, an amino acid with similar properties. This amino acid position is conserved. In addition, this alteration is predicted to be tolerated by in silico analysis. Since supporting evidence is limited at this time, the clinical significance of this alteration remains unclear.

NM_006361.6(HOXB13):c.461C>G (p.Ala154Gly)

Gene: HOXB13 (homeobox B13; minus strand). Cytogenetic location: 17q21.32.
Variant type: single nucleotide variant.
Coding change: c.461C>G on transcript NM_006361.6 (MANE Select); coding-DNA position 461, C replaced by G.
Protein change: p.Ala154Gly; replaces alanine 154 with glycine.
Molecular consequence: missense variant.
Genome position (GRCh38, 1-based): chr17:48,728,133, G>C on the plus strand (C>G on the coding strand, the complement: HOXB13 is on the minus strand). VCF-style: chr17-48728133-G-C. GRCh37 (hg19) VCF-style: chr17-46805495-G-C.
Other names: short protein forms A154G.
Identifiers: ClinVar variation 3225539 (VCV003225539.1), dbSNP rs587780163, ClinGen allele CA400107407.